The following is an entry in ClinVar:

ClinVar aggregate classification (germline): Uncertain significance (1 of 4 stars; one submission).

Conditions:
Inborn genetic diseases. Identifiers: MedGen C0950123, MeSH D030342.

Allele frequency attached by ClinVar (database versions not stated): gnomAD 0.00001; TOPMed below 0.00001; ExAC 0.00001.
gnomAD v4.1: 15 of 1,614,056 alleles (0.00093%); highest among the groups gnomAD compares: Admixed American, 0.0017%; no homozygotes.

Submission:

Ambry Genetics
Classification: Uncertain significance for Inborn genetic diseases. Last evaluated: 2025-05-02. Review status: criteria provided, single submitter. Criteria: Ambry Variant Classification Scheme 2023. Collection method: clinical testing. Allele origin: germline.
Comment: The p.S928G variant (also known as c.2782A>G), located in coding exon 21 of the BUB1B gene, results from an A to G substitution at nucleotide position 2782. The serine at codon 928 is replaced by glycine, an amino acid with similar properties. This amino acid position is conserved. In addition, this alteration is predicted to be tolerated by in silico analysis. Since supporting evidence is limited at this time, the clinical significance of this alteration remains unclear.

NM_001211.6(BUB1B):c.2782A>G (p.Ser928Gly)

Genes: BUB1B (BUB1 mitotic checkpoint serine/threonine kinase B; plus strand), BUB1B-PAK6 (BUB1B-PAK6 readthrough; plus strand). Cytogenetic location: 15q15.1.
Variant type: single nucleotide variant.
Coding change: c.2782A>G on transcript NM_001211.6 (MANE Select); coding-DNA position 2782, A replaced by G.
Protein change: p.Ser928Gly; replaces serine 928 with glycine.
Molecular consequence: missense variant. On other transcripts: 5 prime UTR variant (2).
Genome position (GRCh38, 1-based): chr15:40,217,599, A>G. VCF-style: chr15-40217599-A-G. GRCh37 (hg19) VCF-style: chr15-40509800-A-G.
Other names: c.-269A>G (NM_001128628.3); c.-186A>G (NM_001128629.3); short protein forms S928G.
Identifiers: ClinVar variation 1795945 (VCV001795945.3), dbSNP rs761128578, ClinGen allele CA7476121.
Genomic context (GRCh38, chr15:40,217,599, plus strand): 5'-AAGATAGTGGACTTTTCCTACAGTGTTGACCTTAGGGTGCAGCTGGATGTTTTTACCCTC[A>G]GCGGCTTTCGGACTGTACAGATCCTGGAAGGACAAAAGATCCTGGCTAACTGTTCTTCTC-3'
Protein context (NP_001202.5, residues 918-938): LRVQLDVFTL[Ser928Gly]GFRTVQILEG